The following is an entry in ClinVar:

NM_002900.3(RBP3):c.1957C>T (p.Arg653Trp)

Gene: RBP3 (retinol binding protein 3; plus strand). Cytogenetic location: 10q11.22.
Variant type: single nucleotide variant.
Coding change: c.1957C>T on transcript NM_002900.3 (MANE Select); coding-DNA position 1957, C replaced by T.
Protein change: p.Arg653Trp; replaces arginine 653 with tryptophan.
Molecular consequence: missense variant.
Genome position (GRCh38, 1-based): chr10:47,350,441, C>T. VCF-style: chr10-47350441-C-T. GRCh37 (hg19) VCF-style: chr10-48388921-G-A.
Other names: short protein forms R653W.
Identifiers: ClinVar variation 1939285 (VCV001939285.6), dbSNP rs782209617, ClinGen allele CA206464092.

ClinVar aggregate classification (germline): Uncertain significance. Review status: criteria provided, multiple submitters, no conflicts (2 of 4 stars). 2 submissions from 2 submitters: Uncertain significance (2). Last evaluated 2022-12-15.

Conditions:
Inborn genetic diseases. Identifiers: MedGen C0950123, MeSH D030342.

gnomAD v4.1: 9 of 1,612,042 alleles (0.00056%); highest among the groups gnomAD compares: East Asian, 0.0045%; no homozygotes.

Submissions (2):

Ambry Genetics
Classification: Uncertain significance for Inborn genetic diseases. Last evaluated: 2022-12-15. Review status: criteria provided, single submitter. Criteria: Ambry Variant Classification Scheme 2023. Collection method: clinical testing. Allele origin: germline.

Labcorp Genetics (formerly Invitae), Labcorp
Classification: Uncertain significance. Last evaluated: 2022-07-19. Review status: criteria provided, single submitter. Criteria: Invitae Variant Classification Sherloc (09022015). Collection method: clinical testing. Allele origin: germline.
Comment: In summary, the available evidence is currently insufficient to determine the role of this variant in disease. Therefore, it has been classified as a Variant of Uncertain Significance. Algorithms developed to predict the effect of missense changes on protein structure and function are either unavailable or do not agree on the potential impact of this missense change (SIFT: "Deleterious"; PolyPhen-2: "Possibly Damaging"; Align-GVGD: "Class C0"). This variant has not been reported in the literature in individuals affected with RBP3-related conditions. This variant is present in population databases (no rsID available, gnomAD 0.005%). This sequence change replaces arginine, which is basic and polar, with tryptophan, which is neutral and slightly polar, at codon 653 of the RBP3 protein (p.Arg653Trp).